The following is an entry in ClinVar:

NM_006009.4(TUBA1A):c.427G>C (p.Gly143Arg)

Gene: TUBA1A (tubulin alpha 1a; minus strand). Cytogenetic location: 12q13.12.
Variant type: single nucleotide variant.
Coding change: c.427G>C on transcript NM_006009.4 (MANE Select); coding-DNA position 427, G replaced by C.
Protein change: p.Gly143Arg; replaces glycine 143 with arginine.
Molecular consequence: missense variant.
Genome position (GRCh38, 1-based): chr12:49,185,939, C>G on the plus strand (G>C on the coding strand, the complement: TUBA1A is on the minus strand). VCF-style: chr12-49185939-C-G. GRCh37 (hg19) VCF-style: chr12-49579722-C-G.
Other names: c.427G>C, p.Gly143Arg (NM_001270399.2); c.322G>C, p.Gly108Arg (NM_001270400.2); short protein forms G108R, G143R.
Identifiers: ClinVar variation 1719091 (VCV001719091.5), dbSNP rs1131691318, ClinGen allele CA384642681.
Genomic context (GRCh38, chr12:49,185,939, plus strand): 5'-TGCCATAATCAACTGAGAGACGTTCCATGAGCAGCGAGGTGAACCCAGAACCAGTTCCCC[C>G]ACCAAAGCTGTGGAAAACCAAGAAGCCCTGGAGACCCGTGCACTGGTCGGCCTATAACAA-3'
Protein context (NP_006000.2, residues 133-153): QGFLVFHSFG[Gly143Arg]GTGSGFTSLL

ClinVar aggregate classification (germline): Uncertain significance (1 of 4 stars; one submission).

Submission:

Labcorp Genetics (formerly Invitae), Labcorp
Classification: Uncertain significance. Last evaluated: 2023-11-27. Review status: criteria provided, single submitter. Criteria: Invitae Variant Classification Sherloc (09022015). Collection method: clinical testing. Allele origin: germline.
Comment: This sequence change replaces glycine, which is neutral and non-polar, with arginine, which is basic and polar, at codon 143 of the TUBA1A protein (p.Gly143Arg). This variant is not present in population databases (gnomAD no frequency). This variant has not been reported in the literature in individuals affected with TUBA1A-related conditions. ClinVar contains an entry for this variant (Variation ID: 1719091). Advanced modeling of protein sequence and biophysical properties (such as structural, functional, and spatial information, amino acid conservation, physicochemical variation, residue mobility, and thermodynamic stability) performed at Invitae indicates that this missense variant is expected to disrupt TUBA1A protein function with a positive predictive value of 80%. In summary, the available evidence is currently insufficient to determine the role of this variant in disease. Therefore, it has been classified as a Variant of Uncertain Significance.